The following is an entry in ClinVar:

ClinVar aggregate classification (germline): Likely pathogenic. Review status: criteria provided, multiple submitters, no conflicts (2 of 4 stars). 2 submissions from 2 submitters: Likely pathogenic (2). Last evaluated 2022-08-16.

Conditions:
Cardiovascular phenotype. Identifiers: MedGen CN230736.
Dilated cardiomyopathy 1G (CMD1G). Identifiers: Orphanet 154, MedGen C1858763, MONDO:0011400, OMIM 604145.
Autosomal recessive limb-girdle muscular dystrophy type 2J (LGMDR10). Also called: Limb-girdle muscular dystrophy, type 2J; MUSCULAR DYSTROPHY, LIMB-GIRDLE, AUTOSOMAL RECESSIVE 10. Identifiers: Orphanet 140922, MedGen C1837342, MONDO:0012127, OMIM 608807.

Submissions (2):

Labcorp Genetics (formerly Invitae), Labcorp
Classification: Likely pathogenic for Dilated cardiomyopathy 1G; Autosomal recessive limb-girdle muscular dystrophy type 2J. Last evaluated: 2022-08-16. Review status: criteria provided, single submitter. Criteria: Invitae Variant Classification Sherloc (09022015). Collection method: clinical testing. Allele origin: germline.
Comment: This sequence change creates a premature translational stop signal (p.Arg29279Glufs*122) in the TTN gene. While this is not anticipated to result in nonsense mediated decay, it is expected to create a truncated TTN protein. In summary, the currently available evidence indicates that the variant is pathogenic, but additional data are needed to prove that conclusively. Therefore, this variant has been classified as Likely Pathogenic. This variant is located in the A band of TTN (PMID: 25589632). Truncating variants in this region are significantly overrepresented in patients affected with dilated cardiomyopathy (PMID: 25589632). Truncating variants in this region have also been reported in individuals affected with autosomal recessive centronuclear myopathy (PMID: 23975875). ClinVar contains an entry for this variant (Variation ID: 1067069). This variant has not been reported in the literature in individuals affected with TTN-related conditions. This variant is not present in population databases (gnomAD no frequency).

Ambry Genetics
Classification: Likely pathogenic for Cardiovascular phenotype. Last evaluated: 2019-07-16. Review status: criteria provided, single submitter. Criteria: Ambry Variant Classification Scheme 2023. Collection method: clinical testing. Allele origin: germline.
Comment: The c.60640delA variant, located in coding exon 156 of the TTN gene, results from a deletion of one nucleotide at nucleotide position 60640, causing a translational frameshift with a predicted alternate stop codon (p.R20214Efs*122). Exon 156 is located in the A-band region of the N2-B isoform of the titin protein and is constitutively expressed in TTN transcripts (percent spliced in or PSI 100%). This alteration is expected to result in loss of function by premature protein truncation or nonsense-mediated mRNA decay. While truncating variants in TTN are present in 1-3% of the general population, truncating variants in the A-band are the most common cause of dilated cardiomyopathy (DCM) (Herman DS et al. N. Engl. J. Med., 2012 Feb;366:619-28; Roberts AM et al. Sci Transl Med, 2015 Jan;7:270ra6). TTN truncating variants encoded in constitutive exons (PSI >90%) have been found to be significantly associated with DCM regardless of their position in titin (Schafer S et al. Nat. Genet., 2017 01;49:46-53). As such, this alteration is classified as likely pathogenic.

Literature cited by the submitters: PubMed 25589632 (cited by Labcorp Genetics (formerly Invitae), Labcorp); PubMed 23975875 (cited by Labcorp Genetics (formerly Invitae), Labcorp).

NM_001267550.2(TTN):c.87835del (p.Arg29279fs)

Genes: TTN-AS1 (TTN antisense RNA 1; plus strand), TTN (titin; minus strand). Cytogenetic location: 2q31.2.
Variant type: Deletion.
Coding change: c.87835del on transcript NM_001267550.2 (MANE Select); coding-DNA position 87835, one base deleted (A; older notation c.87835delA).
Protein change: p.Arg29279fs; shifts the reading frame from arginine 29279.
Molecular consequence: frameshift variant.
Genome position (GRCh38, 1-based): chr2:178,557,427, T deleted on the plus strand (A on the coding strand, the reverse complement: TTN is on the minus strand). VCF-style (leftmost placement, unchanged base first): chr2-178557426-CT-C. GRCh37 (hg19) VCF-style: chr2-179422153-CT-C.
Other names: c.82912del, p.Arg27638fs (NM_001256850.1); c.60640del, p.Arg20214fs (NM_003319.4); c.80131del, p.Arg26711fs (NM_133378.4); c.61015del, p.Arg20339fs (NM_133432.3); c.61216del, p.Arg20406fs (NM_133437.4); c.60640delA (NM_003319.4); short protein forms R20214fs, R20339fs, R20406fs, R26711fs, R27638fs, R29279fs.
Identifiers: ClinVar variation 1067069 (VCV001067069.11), dbSNP rs2154155616, ClinGen allele CA2499215326.
Genomic context (GRCh38, chr2:178,557,426, plus strand): 5'-ACTTTGAAGTGAGTTGTGCGGATGACCAGTTTGTTGGCTTTTTGCCATAAAATACTGTTT[CT>C]GTCTTTCATTTCCAGGTGATAGCCTACGACTGCACTGCCTCCATTTGACACTGGTTCATG-3'